The following is an entry in ClinVar:

ClinVar aggregate classification (germline): Benign/Likely benign. Review status: criteria provided, multiple submitters, no conflicts (2 of 4 stars). 11 submissions from 11 submitters: Benign (8); Likely benign (3). Last evaluated 2026-07-14.

Conditions:
Coffin-Siris syndrome. Identifiers: Orphanet 1465, MedGen C0265338, MONDO:0015452.
Hereditary cancer-predisposing syndrome. Also called: Hereditary Cancer Syndrome; Tumor predisposition; Hereditary neoplastic syndrome; Neoplastic Syndromes, Hereditary. Identifiers: Orphanet 140162, MedGen C0027672, MeSH D009386, MONDO:0015356.
Intellectual disability, autosomal dominant 16 (CSS4). Also called: COFFIN-SIRIS SYNDROME 4. Identifiers: Orphanet 1465, MedGen C3553249, MONDO:0013821, OMIM 614609.
Rhabdoid tumor predisposition syndrome 2 (RTPS2). Identifiers: Orphanet 231108, Orphanet 69077, MedGen C2750074, MONDO:0013224, OMIM 613325.

Allele frequency attached by ClinVar (database versions not stated): gnomAD 0.00003 and 0.00020; gnomAD exomes 0.00021 and 0.00034; ExAC 0.00043; TOPMed 0.00003; 1000 Genomes Project 30x 0.00219; 1000 Genomes Project 0.00220; ESP Exome Variant Server 0.00008.
gnomAD v4.1: 337 of 1,611,442 alleles (0.021%); highest among the groups gnomAD compares: South Asian, 0.31%; 2 homozygotes.

Submissions (11):

Myriad Genetics, Inc.
Classification: Benign for Rhabdoid tumor predisposition syndrome 2. Last evaluated: 2026-07-14. Review status: criteria provided, single submitter. Criteria: Myriad Autosomal Dominant, Autosomal Recessive and X-Linked Classification Criteria (2023). Collection method: clinical testing. Allele origin: unknown.
Comment: This variant is considered benign. This variant is a silent/synonymous amino acid change and it is not expected to impact splicing.

CeGaT Center for Human Genetics Tuebingen
Classification: Likely benign. Last evaluated: 2026-05-01. Review status: criteria provided, single submitter. Criteria: CeGaT Center For Human Genetics Tuebingen Variant Classification Criteria Version 2. Collection method: clinical testing. Allele origin: germline. Affected: yes. Observed: 2 variant alleles.
Comment: SMARCA4: BP4, BP7, BS1

Labcorp Genetics (formerly Invitae), Labcorp
Classification: Benign for Rhabdoid tumor predisposition syndrome 2. Last evaluated: 2026-01-28. Review status: criteria provided, single submitter. Criteria: Invitae Variant Classification Sherloc (09022015). Collection method: clinical testing. Allele origin: germline.

Blueprint Genetics
Classification: Benign. Last evaluated: 2024-07-29. Review status: criteria provided, single submitter. Criteria: ACMG Guidelines, 2015. Collection method: clinical testing. Allele origin: germline.

Quest Diagnostics Nichols Institute San Juan Capistrano
Classification: Benign. Last evaluated: 2023-02-06. Review status: criteria provided, single submitter. Criteria: Quest Diagnostics criteria. Collection method: clinical testing. Allele origin: unknown.

Sema4
Classification: Benign for Hereditary cancer-predisposing syndrome. Last evaluated: 2021-12-17. Review status: criteria provided, single submitter. Criteria: Sema4 Curation Guidelines. Collection method: curation. Allele origin: germline.

Genome-Nilou Lab
Classification: Benign for Intellectual disability, autosomal dominant 16. Last evaluated: 2021-07-15. Review status: criteria provided, single submitter. Criteria: ACMG Guidelines, 2015. Collection method: clinical testing. Allele origin: germline. Affected: no.

GeneDx
Classification: Likely benign. Last evaluated: 2020-11-09. Review status: criteria provided, single submitter. Criteria: GeneDx Variant Classification Process June 2021. Collection method: clinical testing. Allele origin: germline. Affected: yes.

Illumina Laboratory Services, Illumina
Classification: Benign for Coffin-Siris syndrome. Last evaluated: 2018-01-13. Review status: criteria provided, single submitter. Criteria: ICSL Variant Classification Criteria 13 December 2019. Collection method: clinical testing. Allele origin: germline.
Comment: This variant was observed in the ICSL laboratory as part of a predisposition screen in an ostensibly healthy population. It had not been previously curated by ICSL or reported in the Human Gene Mutation Database (HGMD: prior to June 1st, 2018), and was therefore a candidate for classification through an automated scoring system. Utilizing variant allele frequency, disease prevalence and penetrance estimates, and inheritance mode, an automated score was calculated to assess if this variant is too frequent to cause the disease. Based on the score and internal cut-off values, a variant classified as benign is not then subjected to further curation. The score for this variant resulted in a classification of benign for this disease.

Genetic Services Laboratory, University of Chicago
Classification: Benign. Last evaluated: 2017-09-05. Review status: criteria provided, single submitter. Criteria: ACMG Guidelines, 2015. Collection method: clinical testing. Allele origin: germline. Affected: no.

Ambry Genetics
Classification: Likely benign for Hereditary cancer-predisposing syndrome. Last evaluated: 2015-07-07. Review status: criteria provided, single submitter. Criteria: Ambry Variant Classification Scheme 2023. Collection method: clinical testing. Allele origin: germline.

NM_003072.5(SMARCA4):c.3066C>T (p.Ser1022=)

Gene: SMARCA4 (SWI/SNF related BAF chromatin remodeling complex subunit ATPase 4; plus strand). Cytogenetic location: 19p13.2.
Variant type: single nucleotide variant.
Coding change: c.3066C>T on transcript NM_003072.5 (MANE Select); coding-DNA position 3066, C replaced by T.
Protein change: p.Ser1022=; no amino-acid change (serine 1022 retained).
Molecular consequence: synonymous variant. On other transcripts: non-coding transcript variant (1).
Genome position (GRCh38, 1-based): chr19:11,024,423, C>T. VCF-style: chr19-11024423-C-T. GRCh37 (hg19) VCF-style: chr19-11135099-C-T.
Other names: c.3066C>T, p.Ser1022= (NM_001128844.3, NM_001128845.2, NM_001128846.2 and 5 more transcripts).
Identifiers: ClinVar variation 238422 (VCV000238422.34), dbSNP rs149111403, ClinGen allele CA9204301.